The following is an entry in ClinVar:

ClinVar aggregate classification (germline): Uncertain significance (1 of 4 stars; one submission).

Conditions:
Ataxia-telangiectasia syndrome (AT). Also called: Ataxia telangiectasia (A-T); LOUIS-BAR SYNDROME; Cerebello-oculocutaneous telangiectasia; Immunodeficiency with ataxia telangiectasia; Ataxia-telangiectasia, complementation group E; Ataxia-telangiectasia. Identifiers: Orphanet 100, MedGen C0004135, MONDO:0008840, OMIM 208900.

Submission:

Labcorp Genetics (formerly Invitae), Labcorp
Classification: Uncertain significance for Ataxia-telangiectasia syndrome. Last evaluated: 2024-07-24. Review status: criteria provided, single submitter. Criteria: Invitae Variant Classification Sherloc (09022015). Collection method: clinical testing. Allele origin: germline.
Comment: This sequence change replaces cysteine, which is neutral and slightly polar, with arginine, which is basic and polar, at codon 718 of the ATM protein (p.Cys718Arg). This variant is not present in population databases (gnomAD no frequency). This variant has not been reported in the literature in individuals affected with ATM-related conditions. An algorithm developed to predict the effect of missense changes on protein structure and function (PolyPhen-2) suggests that this variant is likely to be disruptive. In summary, the available evidence is currently insufficient to determine the role of this variant in disease. Therefore, it has been classified as a Variant of Uncertain Significance.

NM_000051.4(ATM):c.2152T>C (p.Cys718Arg)

Gene: ATM (ATM serine/threonine kinase; plus strand). Cytogenetic location: 11q22.3.
Variant type: single nucleotide variant.
Coding change: c.2152T>C on transcript NM_000051.4 (MANE Select); coding-DNA position 2152, T replaced by C.
Protein change: p.Cys718Arg; replaces cysteine 718 with arginine.
Molecular consequence: missense variant.
Genome position (GRCh38, 1-based): chr11:108,256,242, T>C. VCF-style: chr11-108256242-T-C. GRCh37 (hg19) VCF-style: chr11-108126969-T-C.
Other names: c.2152T>C, p.Cys718Arg (NM_001351834.2); short protein forms C718R.
Identifiers: ClinVar variation 3689260 (VCV003689260.2).
Genomic context (GRCh38, chr11:108,256,242, plus strand): 5'-ATATATATATTTTTATTTGTGGTTTACTTTAAGATTACAAATTCAGAAACTCTTGTCCGG[T>C]GTTCACGTCTTTTGGTGGGTGTCCTTGGCTGCTACTGTTACATGGGTGTAATAGCTGAAG-3'
Protein context (NP_000042.3, residues 708-728): EITNSETLVR[Cys718Arg]SRLLVGVLGC